The following is an entry in ClinVar:

NM_000520.6(HEXA):c.144C>G (p.Tyr48Ter)

Gene: HEXA (hexosaminidase subunit alpha; minus strand). Cytogenetic location: 15q23.
Variant type: single nucleotide variant.
Coding change: c.144C>G on transcript NM_000520.6 (MANE Select); coding-DNA position 144, C replaced by G.
Protein change: p.Tyr48Ter; replaces tyrosine 48 with a stop codon.
Molecular consequence: nonsense. On other transcripts: non-coding transcript variant (1).
Genome position (GRCh38, 1-based): chr15:72,375,829, G>C on the plus strand (C>G on the coding strand, the complement: HEXA is on the minus strand). VCF-style: chr15-72375829-G-C. GRCh37 (hg19) VCF-style: chr15-72668170-G-C.
Other names: c.144C>G, p.Tyr48Ter (NM_001318825.2); short protein forms Y48*.
Identifiers: ClinVar variation 1453002 (VCV001453002.6), dbSNP rs2140344619, ClinGen allele CA393070405.

ClinVar aggregate classification (germline): Pathogenic (1 of 4 stars; one submission).

Conditions:
Tay-Sachs disease (TSD). Also called: HEXA DEFICIENCY; GM2 gangliosidosis, type 1; Hexosaminidase alpha-subunit deficiency (variant B); Sphingolipidosis, Tay-Sachs; HEXA Disorders; Hexosaminidase A Deficiency. Identifiers: Orphanet 845, MedGen C0039373, MONDO:0010100, OMIM 272800.

Submission:

Labcorp Genetics (formerly Invitae), Labcorp
Classification: Pathogenic for Tay-Sachs disease. Last evaluated: 2021-07-22. Review status: criteria provided, single submitter. Criteria: Invitae Variant Classification Sherloc (09022015). Collection method: clinical testing. Allele origin: germline.
Comment: This sequence change creates a premature translational stop signal (p.Tyr48*) in the HEXA gene. It is expected to result in an absent or disrupted protein product. Loss-of-function variants in HEXA are known to be pathogenic (PMID: 1833974, 8490625). For these reasons, this variant has been classified as Pathogenic. Algorithms developed to predict the effect of sequence changes on RNA splicing suggest that this variant may create or strengthen a splice site. This variant has not been reported in the literature in individuals affected with HEXA-related conditions. This variant is not present in population databases (ExAC no frequency).

Literature cited by the submitters: PubMed 1833974; PubMed 8490625.